The following is an entry in ClinVar:

ClinVar aggregate classification (germline): Pathogenic. Review status: criteria provided, multiple submitters, no conflicts (2 of 4 stars). 3 submissions from 3 submitters: Pathogenic (3). Last evaluated 2025-12-17.

Conditions:
Hereditary cancer-predisposing syndrome. Also called: Hereditary neoplastic syndrome; Neoplastic Syndromes, Hereditary; Tumor predisposition; Hereditary Cancer Syndrome. Identifiers: Orphanet 140162, MedGen C0027672, MeSH D009386, MONDO:0015356.
DICER1-related tumor predisposition. Also called: DICER1-related pleuropulmonary blastoma cancer predisposition syndrome; DICER1 syndrome. Identifiers: Orphanet 284343, MedGen C3839822, MONDO:0100216.

Submissions (3):

Labcorp Genetics (formerly Invitae), Labcorp
Classification: Pathogenic for DICER1-related tumor predisposition. Last evaluated: 2025-12-17. Review status: criteria provided, single submitter. Criteria: Invitae Variant Classification Sherloc (09022015). Collection method: clinical testing. Allele origin: germline.
Comment: This sequence change creates a premature translational stop signal (p.Gln1028*) in the DICER1 gene. It is expected to result in an absent or disrupted protein product. Loss-of-function variants in DICER1 are known to be pathogenic (PMID: 19556464, 21266384). This variant is not present in population databases (gnomAD no frequency). This variant has not been reported in the literature in individuals affected with DICER1-related conditions. ClinVar contains an entry for this variant (Variation ID: 1217316). For these reasons, this variant has been classified as Pathogenic.

Ambry Genetics
Classification: Pathogenic for Hereditary cancer-predisposing syndrome. Last evaluated: 2024-10-25. Review status: criteria provided, single submitter. Criteria: Ambry Variant Classification Scheme 2023. Collection method: clinical testing. Allele origin: germline.
Comment: The p.Q1028* pathogenic mutation (also known as c.3082C>T), located in coding exon 18 of the DICER1 gene, results from a C to T substitution at nucleotide position 3082. This changes the amino acid from a glutamine to a stop codon within coding exon 18. This variant is considered to be rare based on population cohorts in the Genome Aggregation Database (gnomAD). This alteration is expected to result in loss of function by premature protein truncation or nonsense-mediated mRNA decay. As such, this alteration is interpreted as a disease-causing mutation.

Foulkes Cancer Genetics LDI, Lady Davis Institute for Medical Research
Classification: Pathogenic for Pleuropulmonary blastoma. Last evaluated: 2019-07-01. Review status: criteria provided, single submitter. Criteria: ACMG Guidelines, 2015. Collection method: curation. Allele origin: somatic. Affected: yes. Observed: 1 variant allele.
Comment: ACMG criteria met: PVS1, PM2, PP3

Literature cited by the submitters: PubMed 19556464 (cited by Labcorp Genetics (formerly Invitae), Labcorp); PubMed 21266384 (cited by Labcorp Genetics (formerly Invitae), Labcorp); PubMed 29753010 (cited by Foulkes Cancer Genetics LDI, Lady Davis Institute for Medical Research).

NM_177438.3(DICER1):c.3082C>T (p.Gln1028Ter)

Gene: DICER1 (dicer 1, ribonuclease III; minus strand). Cytogenetic location: 14q32.13.
Variant type: single nucleotide variant.
Coding change: c.3082C>T on transcript NM_177438.3 (MANE Select); coding-DNA position 3082, C replaced by T.
Protein change: p.Gln1028Ter; replaces glutamine 1028 with a stop codon.
Molecular consequence: nonsense.
Genome position (GRCh38, 1-based): chr14:95,105,689, G>A on the plus strand (C>T on the coding strand, the complement: DICER1 is on the minus strand). VCF-style: chr14-95105689-G-A. GRCh37 (hg19) VCF-style: chr14-95572026-G-A.
Other names: p.Q1028X; c.3082C>T, p.Gln1028Ter (NM_001195573.1, NM_001271282.3, NM_001291628.2 and 1 more transcripts); short protein forms Q1028*.
Identifiers: ClinVar variation 1217316 (VCV001217316.6), dbSNP rs2139994282, ClinGen allele CA390877128.